The following is an entry in ClinVar:

ClinVar aggregate classification (germline): Pathogenic (1 of 4 stars; one submission).

Conditions:
Cardiovascular phenotype. Identifiers: MedGen CN230736.

Submission:

Ambry Genetics
Classification: Pathogenic for Cardiovascular phenotype. Last evaluated: 2024-05-18. Review status: criteria provided, single submitter. Criteria: Ambry Variant Classification Scheme 2023. Collection method: clinical testing. Allele origin: germline.
Comment: The c.3066dupC pathogenic mutation, located in coding exon 29 of the MYBPC3 gene, results from a duplication of C at nucleotide position 3066, causing a translational frameshift with a predicted alternate stop codon (p.N1023Qfs*28). This alteration has been reported in individuals with hypertrophic cardiomyopathy (HCM) (Villacorta E et al. Rev Esp Cardiol (Engl Ed), 2014 Feb;67:148-50; Mademont-Soler I et al. PLoS One, 2017 Aug;12:e0181465). This variant is considered to be rare based on population cohorts in the Genome Aggregation Database (gnomAD). In addition to the clinical data presented in the literature, this alteration is expected to result in loss of function by premature protein truncation or nonsense-mediated mRNA decay. As such, this alteration is interpreted as a disease-causing mutation.

Literature cited by the submitters: PubMed 24795128; PubMed 28771489.

NM_000256.3(MYBPC3):c.3066dup (p.Asn1023fs)

Gene: MYBPC3 (myosin binding protein C3; minus strand). Cytogenetic location: 11p11.2.
Variant type: Duplication.
Coding change: c.3066dup on transcript NM_000256.3 (MANE Select); coding-DNA position 3066, one base duplicated (C; older notation c.3066dupC).
Protein change: p.Asn1023fs; shifts the reading frame from asparagine 1023.
Molecular consequence: frameshift variant.
Genome position (GRCh38, 1-based): chr11:47,333,681, G duplicated on the plus strand (C on the coding strand, the reverse complement: MYBPC3 is on the minus strand). VCF-style (leftmost placement, unchanged base first): chr11-47333680-T-TG. GRCh37 (hg19) VCF-style: chr11-47355231-T-TG.
Other names: c.3066dupC (NM_000256.3); short protein forms N1023fs.
Identifiers: ClinVar variation 3297206 (VCV003297206.1).
Genomic context (GRCh38, chr11:47,333,680, plus strand): 5'-AAGTGCCTGAATGCACGCGGCGAGCGGCCCGGATGAACAGGATGGTGTCTGTGGGGCTGT[T>TG]GCGGATGCTCACCTCCTCGCCTGCCAGGGGCTGCCCCTCTTTGGTCCAGGTCACCTGAGG-3'